The following is an entry in ClinVar:

ClinVar aggregate classification (germline): Uncertain significance (1 of 4 stars; one submission).

Submission:

GeneDx
Classification: Uncertain significance. Last evaluated: 2026-04-07. Review status: criteria provided, single submitter. Criteria: GeneDx Variant Classification Process June 2021. Collection method: clinical testing. Allele origin: germline.
Comment: Not observed at significant frequency in large population cohorts (gnomAD); In silico analysis supports that this missense variant has a deleterious effect on protein structure/function; Has not been previously published as pathogenic or benign to our knowledge

NM_001184880.2(PCDH19):c.1439C>T (p.Pro480Leu)

Gene: PCDH19 (protocadherin 19; minus strand). Cytogenetic location: Xq22.1.
Variant type: single nucleotide variant.
Coding change: c.1439C>T on transcript NM_001184880.2 (MANE Select); coding-DNA position 1439, C replaced by T.
Protein change: p.Pro480Leu; replaces proline 480 with leucine.
Molecular consequence: missense variant.
Genome position (GRCh38, 1-based): chrX:100,407,159, G>A on the plus strand (C>T on the coding strand, the complement: PCDH19 is on the minus strand). VCF-style: chrX-100407159-G-A. GRCh37 (hg19) VCF-style: chrX-99662157-G-A.
Other names: c.1439C>T, p.Pro480Leu (NM_001105243.2, NM_020766.3); short protein forms P480L.
Identifiers: ClinVar variation 5018268 (VCV005018268.1).